The following is an entry in ClinVar:

ClinVar aggregate classification (germline): Conflicting classifications of pathogenicity. Review status: criteria provided, conflicting classifications (1 of 4 stars). 6 submissions from 6 submitters: Uncertain significance (3); Likely benign (3). Last evaluated 2026-02-03.

Conditions:
SMARCA4-related disorder. Also called: SMARCA4-related condition.
Hereditary cancer-predisposing syndrome. Also called: Neoplastic Syndromes, Hereditary; Tumor predisposition; Hereditary Cancer Syndrome; Hereditary neoplastic syndrome. Identifiers: Orphanet 140162, MedGen C0027672, MeSH D009386, MONDO:0015356.
Intellectual disability, autosomal dominant 16 (CSS4). Also called: COFFIN-SIRIS SYNDROME 4. Identifiers: Orphanet 1465, MedGen C3553249, MONDO:0013821, OMIM 614609.
Rhabdoid tumor predisposition syndrome 2 (RTPS2). Identifiers: Orphanet 231108, Orphanet 69077, MedGen C2750074, MONDO:0013224, OMIM 613325.

Allele frequency attached by ClinVar (database versions not stated): gnomAD 0.00003; gnomAD exomes 0.00003 and 0.00008; TOPMed 0.00005; ExAC 0.00009; 1000 Genomes Project 30x 0.00016; 1000 Genomes Project 0.00020.
gnomAD v4.1: 54 of 1,537,990 alleles (0.0035%); highest among the groups gnomAD compares: South Asian, 0.024%; no homozygotes.

Submissions (6):

Labcorp Genetics (formerly Invitae), Labcorp
Classification: Likely benign for Rhabdoid tumor predisposition syndrome 2. Last evaluated: 2026-02-03. Review status: criteria provided, single submitter. Criteria: Invitae Variant Classification Sherloc (09022015). Collection method: clinical testing. Allele origin: germline.

PreventionGenetics, part of Exact Sciences
Classification: Likely benign for SMARCA4-related condition. Last evaluated: 2025-12-22. Review status: criteria provided, single submitter. Criteria: ACMG Guidelines, 2015. Collection method: clinical testing. Allele origin: germline.
Comment: This variant is classified as likely benign based on ACMG/AMP sequence variant interpretation guidelines (Richards et al. 2015 PMID: 25741868, with internal and published modifications).

GeneDx
Classification: Uncertain significance. Last evaluated: 2024-07-15. Review status: criteria provided, single submitter. Criteria: GeneDx Variant Classification Process June 2021. Collection method: clinical testing. Allele origin: germline. Affected: yes.
Comment: In silico analysis indicates that this missense variant does not alter protein structure/function; Has not been previously published as pathogenic or benign to our knowledge

Ambry Genetics
Classification: Likely benign for Hereditary cancer-predisposing syndrome. Last evaluated: 2022-08-24. Review status: criteria provided, single submitter. Criteria: Ambry Variant Classification Scheme 2023. Collection method: clinical testing. Allele origin: germline.

Sema4
Classification: Uncertain significance for Hereditary cancer-predisposing syndrome. Last evaluated: 2021-08-23. Review status: criteria provided, single submitter. Criteria: Sema4 Curation Guidelines. Collection method: curation. Allele origin: germline.
Comment: The SMARCA4 c.727G>A (p.G243S) variant has been reported in heterozygosity in at least 1 individual with hereditary breast and/or ovarian cancer predisposition (DOI: 10.4103/CRST.CRST_136_20). This variant was observed in 6/12154 chromosomes in the East Asian population in the large and broad cohorts of the Genome Aggregation Database (PMID: 32461654). The variant has been reported in ClinVar (Variation ID: 408659). Functional studies have not been performed, and in silico predictions of the variant's effect on protein function are inconclusive. The evidence is insufficient to meet ACMG/AMP criteria for classifying the variant as benign or pathogenic. Thus, the clinical significance of this variant is currently uncertain.

Genome-Nilou Lab
Classification: Uncertain significance for Intellectual disability, autosomal dominant 16. Last evaluated: 2021-07-15. Review status: criteria provided, single submitter. Criteria: ACMG Guidelines, 2015. Collection method: clinical testing. Allele origin: germline. Affected: no.

NM_003072.5(SMARCA4):c.727G>A (p.Gly243Ser)

Gene: SMARCA4 (SWI/SNF related BAF chromatin remodeling complex subunit ATPase 4; plus strand). Cytogenetic location: 19p13.2.
Variant type: single nucleotide variant.
Coding change: c.727G>A on transcript NM_003072.5 (MANE Select); coding-DNA position 727, G replaced by A.
Protein change: p.Gly243Ser; replaces glycine 243 with serine.
Molecular consequence: missense variant. On other transcripts: non-coding transcript variant (1).
Genome position (GRCh38, 1-based): chr19:10,986,560, G>A. VCF-style: chr19-10986560-G-A. GRCh37 (hg19) VCF-style: chr19-11097236-G-A.
Other names: c.727G>A, p.Gly243Ser (NM_001128844.3, NM_001128845.2, NM_001128846.2 and 5 more transcripts); short protein forms G243S.
Identifiers: ClinVar variation 408659 (VCV000408659.19), dbSNP rs545634451, ClinGen allele CA9203550.